The following is an entry in ClinVar:

NM_018972.4(GDAP1):c.608A>G (p.Lys203Arg)

Gene: GDAP1 (ganglioside induced differentiation associated protein 1; plus strand). Cytogenetic location: 8q21.11.
Variant type: single nucleotide variant.
Coding change: c.608A>G on transcript NM_018972.4 (MANE Select); coding-DNA position 608, A replaced by G.
Protein change: p.Lys203Arg; replaces lysine 203 with arginine.
Molecular consequence: missense variant.
Genome position (GRCh38, 1-based): chr8:74,362,967, A>G. VCF-style: chr8-74362967-A-G. GRCh37 (hg19) VCF-style: chr8-75275202-A-G.
Other names: c.404A>G, p.Lys135Arg (NM_001040875.4); c.281A>G, p.Lys94Arg (NM_001362929.2, NM_001362932.2); c.434A>G, p.Lys145Arg (NM_001362930.2); c.608A>G, p.Lys203Arg (NM_001362931.2); short protein forms K145R, K203R, K94R, K135R.
Identifiers: ClinVar variation 2962909 (VCV002962909.3), dbSNP rs1344356643, ClinGen allele CA371549511.

ClinVar aggregate classification (germline): Uncertain significance (1 of 4 stars; one submission).

Conditions:
Charcot-Marie-Tooth disease type 4A. Also called: Charcot-Marie-Tooth disease, demyelinating, autosomal recessive, type 4a. Identifiers: Orphanet 99948, MedGen C1859198, MONDO:0008961, OMIM 214400.

Allele frequency attached by ClinVar (database versions not stated): TOPMed below 0.00001; gnomAD 0.00001; gnomAD exomes 0.00001.
gnomAD v4.1: 15 of 1,563,708 alleles (0.00096%); highest among the groups gnomAD compares: East Asian, 0.034%; no homozygotes.

Submission:

Labcorp Genetics (formerly Invitae), Labcorp
Classification: Uncertain significance for Charcot-Marie-Tooth disease type 4A. Last evaluated: 2023-03-01. Review status: criteria provided, single submitter. Criteria: Invitae Variant Classification Sherloc (09022015). Collection method: clinical testing. Allele origin: germline.
Comment: An algorithm developed to predict the effect of missense changes on protein structure and function (PolyPhen-2) suggests that this variant is likely to be disruptive. In summary, the available evidence is currently insufficient to determine the role of this variant in disease. Therefore, it has been classified as a Variant of Uncertain Significance. Algorithms developed to predict the effect of sequence changes on RNA splicing suggest that this variant may create or strengthen a splice site. This variant has not been reported in the literature in individuals affected with GDAP1-related conditions. This variant is not present in population databases (gnomAD no frequency). This sequence change replaces lysine, which is basic and polar, with arginine, which is basic and polar, at codon 203 of the GDAP1 protein (p.Lys203Arg).